The following is an entry in ClinVar:

ClinVar aggregate classification (germline): Benign. Review status: criteria provided, multiple submitters, no conflicts (2 of 4 stars). 5 submissions from 5 submitters: Benign (5). Last evaluated 2026-02-03.

Conditions:
Hepatic methionine adenosyltransferase deficiency. Also called: MAT I/III DEFICIENCY; Isolated Persistent Hypermethioninemia; Methionine adenosyltransferase deficiency; Deficiency of methionine adenosyltransferase. Identifiers: Orphanet 168598, MedGen C0268621, MeSH C564683, MONDO:0009607, OMIM 250850.

Allele frequency attached by ClinVar (database versions not stated): ExAC 0.51253; ESP Exome Variant Server 0.53798; gnomAD 0.54474 and 0.54480; TOPMed 0.55648; 1000 Genomes Project 0.58806; 1000 Genomes Project 30x 0.59432.
gnomAD v4.1: 766,437 of 1,613,602 alleles (47%); highest among the groups gnomAD compares: African/African-American, 75%; 187,721 homozygotes.

Submissions (5):

Labcorp Genetics (formerly Invitae), Labcorp
Classification: Benign for Hepatic methionine adenosyltransferase deficiency. Last evaluated: 2026-02-03. Review status: criteria provided, single submitter. Criteria: Invitae Variant Classification Sherloc (09022015). Collection method: clinical testing. Allele origin: germline.

Illumina Laboratory Services, Illumina
Classification: Benign for Hepatic methionine adenosyltransferase deficiency. Last evaluated: 2018-01-13. Review status: criteria provided, single submitter. Criteria: ICSL Variant Classification Criteria 13 December 2019. Collection method: clinical testing. Allele origin: germline.
Comment: This variant was observed in the ICSL laboratory as part of a predisposition screen in an ostensibly healthy population. It had not been previously curated by ICSL or reported in the Human Gene Mutation Database (HGMD: prior to June 1st, 2018), and was therefore a candidate for classification through an automated scoring system. Utilizing variant allele frequency, disease prevalence and penetrance estimates, and inheritance mode, an automated score was calculated to assess if this variant is too frequent to cause the disease. Based on the score and internal cut-off values, a variant classified as benign is not then subjected to further curation. The score for this variant resulted in a classification of benign for this disease.

GeneDx
Classification: Benign. Last evaluated: 2015-03-03. Review status: criteria provided, single submitter. Criteria: GeneDx Variant Classification Process June 2021. Collection method: clinical testing. Allele origin: germline. Affected: yes.

Breakthrough Genomics
Classification: Benign. Review status: criteria provided, single submitter. Criteria: ACMG Guidelines, 2015. Collection method: not provided. Allele origin: germline. Inheritance: Autosomal dominant inheritance. Affected: yes.

PreventionGenetics, part of Exact Sciences
Classification: Benign. Review status: criteria provided, single submitter. Criteria: ACMG Guidelines, 2015. Collection method: clinical testing. Allele origin: germline.

NM_000429.3(MAT1A):c.1085+14C>T

Gene: MAT1A (methionine adenosyltransferase 1A; minus strand). Cytogenetic location: 10q22.3.
Variant type: single nucleotide variant.
Coding change: c.1085+14C>T on transcript NM_000429.3 (MANE Select); 14 bases into the intron after coding-DNA position 1085, C replaced by T.
Molecular consequence: intron variant.
Genome position (GRCh38, 1-based): chr10:80,274,506, G>A on the plus strand (C>T on the coding strand, the complement: MAT1A is on the minus strand). VCF-style: chr10-80274506-G-A. GRCh37 (hg19) VCF-style: chr10-82034262-G-A.
Identifiers: ClinVar variation 256103 (VCV000256103.17), dbSNP rs2994388, ClinGen allele CA5576614.